The following is an entry in ClinVar:

ClinVar aggregate classification (germline): Uncertain significance (1 of 4 stars; one submission).

Conditions:
EGFR-related lung cancer (EGFR). Identifiers: MedGen CN130014.

Allele frequency attached by ClinVar (database versions not stated): gnomAD exomes below 0.00001.
gnomAD v4.1: 1 of 1,614,166 alleles (0.000062%); highest among the groups gnomAD compares: Non-Finnish European, 0.000085%; no homozygotes.

Submission:

Labcorp Genetics (formerly Invitae), Labcorp
Classification: Uncertain significance for EGFR-related lung cancer. Last evaluated: 2024-01-30. Review status: criteria provided, single submitter. Criteria: Invitae Variant Classification Sherloc (09022015). Collection method: clinical testing. Allele origin: germline.
Comment: This sequence change falls in intron 9 of the EGFR gene. It does not directly change the encoded amino acid sequence of the EGFR protein. This variant is not present in population databases (gnomAD no frequency). This variant has not been reported in the literature in individuals affected with EGFR-related conditions. Algorithms developed to predict the effect of sequence changes on RNA splicing suggest that this variant may disrupt the consensus splice site. In summary, the available evidence is currently insufficient to determine the role of this variant in disease. Therefore, it has been classified as a Variant of Uncertain Significance.

NM_005228.5(EGFR):c.1134-15T>A

Genes: EGFR (epidermal growth factor receptor; plus strand), LOC126860048 (P300/CBP strongly-dependent group 1 enhancer GRCh37_chr7:55223847-55225046; plus strand). Cytogenetic location: 7p11.2.
Variant type: single nucleotide variant.
Coding change: c.1134-15T>A on transcript NM_005228.5 (MANE Select); 15 bases into the intron before coding-DNA position 1134, T replaced by A.
Molecular consequence: intron variant.
Genome position (GRCh38, 1-based): chr7:55,156,744, T>A. VCF-style: chr7-55156744-T-A. GRCh37 (hg19) VCF-style: chr7-55224437-T-A.
Other names: c.999-15T>A (NM_001346899.2, NM_001346897.2); c.333-15T>A (NM_001346941.2); c.1134-15T>A (NM_001346898.2, NM_201284.2, NM_201282.2 and 1 more transcripts); c.975-15T>A (NM_001346900.2).
Identifiers: ClinVar variation 3011781 (VCV003011781.3), dbSNP rs2128938635, ClinGen allele CA2682852612.